The following is an entry in ClinVar:

NC_000007.13:g.(?_55086755)_(55274084_?)del

Gene: EGFR (epidermal growth factor receptor; plus strand). Cytogenetic location: 7p11.2.
Variant type: Deletion.
Identifiers: ClinVar variation 1042058 (VCV001042058.5).

ClinVar aggregate classification (germline): Pathogenic (1 of 4 stars; one submission).

Conditions:
EGFR-related lung cancer (EGFR). Identifiers: MedGen CN130014.

Submission:

Labcorp Genetics (formerly Invitae), Labcorp
Classification: Pathogenic for EGFR-related lung cancer. Last evaluated: 2023-07-07. Review status: criteria provided, single submitter. Criteria: Invitae Variant Classification Sherloc (09022015). Collection method: clinical testing. Allele origin: germline.
Comment: For these reasons, this variant has been classified as Pathogenic. This variant has not been reported in the literature in individuals affected with EGFR-related conditions. A gross deletion of the genomic region encompassing the full coding sequence of the EGFR gene has been identified. Loss-of-function variants in EGFR are known to be pathogenic (PMID: 7630400, 28726809, 29899996). The boundaries of this event are unknown as they extend beyond the assayed region for this gene and therefore may encompass additional genes.

Literature cited by the submitters: PubMed 7630400; PubMed 28726809; PubMed 29899996.